The following is an entry in ClinVar:

NM_005378.6(MYCN):c.685G>A (p.Ala229Thr)

Gene: MYCN (MYCN proto-oncogene, bHLH transcription factor; plus strand). Cytogenetic location: 2p24.3.
Variant type: single nucleotide variant.
Coding change: c.685G>A on transcript NM_005378.6 (MANE Select); coding-DNA position 685, G replaced by A.
Protein change: p.Ala229Thr; replaces alanine 229 with threonine.
Molecular consequence: missense variant. On other transcripts: 3 prime UTR variant (1), intron variant (1).
Genome position (GRCh38, 1-based): chr2:15,942,749, G>A. VCF-style: chr2-15942749-G-A. GRCh37 (hg19) VCF-style: chr2-16082871-G-A.
Other names: c.685G>A, p.Ala229Thr (NM_001293228.2); c.*620G>A (NM_001293233.2); c.157+2006G>A (NM_001293231.2); short protein forms A229T.
Identifiers: ClinVar variation 2782862 (VCV002782862.3), dbSNP rs1292040252, ClinGen allele CA345931378.

ClinVar aggregate classification (germline): Uncertain significance (1 of 4 stars; one submission).

Allele frequency attached by ClinVar (database versions not stated): gnomAD exomes below 0.00001; TOPMed below 0.00001; gnomAD 0.00001.

Submission:

Labcorp Genetics (formerly Invitae), Labcorp
Classification: Uncertain significance. Last evaluated: 2023-03-02. Review status: criteria provided, single submitter. Criteria: Invitae Variant Classification Sherloc (09022015). Collection method: clinical testing. Allele origin: germline.
Comment: In summary, the available evidence is currently insufficient to determine the role of this variant in disease. Therefore, it has been classified as a Variant of Uncertain Significance. An algorithm developed to predict the effect of missense changes on protein structure and function (PolyPhen-2) suggests that this variant is likely to be disruptive. This variant has not been reported in the literature in individuals affected with MYCN-related conditions. This variant is not present in population databases (gnomAD no frequency). This sequence change replaces alanine, which is neutral and non-polar, with threonine, which is neutral and polar, at codon 229 of the MYCN protein (p.Ala229Thr).